The following is an entry in ClinVar:

NM_001009944.3(PKD1):c.215+1065G>C

Gene: PKD1 (polycystin 1, transient receptor potential channel interacting; minus strand). Cytogenetic location: 16p13.3.
Variant type: single nucleotide variant.
Coding change: c.215+1065G>C on transcript NM_001009944.3 (MANE Select); 1065 bases into the intron after coding-DNA position 215, G replaced by C.
Molecular consequence: intron variant.
Genome position (GRCh38, 1-based): chr16:2,134,410, C>G on the plus strand (G>C on the coding strand, the complement: PKD1 is on the minus strand). VCF-style: chr16-2134410-C-G. GRCh37 (hg19) VCF-style: chr16-2184411-C-G.
Other names: c.215+1065G>C (NM_000296.4).
Identifiers: ClinVar variation 4532237 (VCV004532237.1).

ClinVar aggregate classification (germline): Uncertain significance (1 of 4 stars; one submission).

Conditions:
Polycystic kidney disease, adult type (PKD1). Also called: Polycystic Kidney, Autosomal Dominant; POLYCYSTIC KIDNEY DISEASE, ADULT, TYPE I; Polycystic Kidney Disease 1, Autosomal Dominant; Polycystic kidney disease 1; Polycystic kidney disease 1, severe; POLYCYSTIC KIDNEY DISEASE 1 WITH OR WITHOUT POLYCYSTIC LIVER DISEASE. Identifiers: MedGen C3149841, MONDO:0008263, OMIM 173900.

Submission:

MVZ Medizinische Genetik Mainz
Classification: Uncertain significance for Polycystic kidney disease, adult type. Last evaluated: 2025-10-31. Review status: criteria provided, single submitter. Criteria: UK Practice Guidelines For Variant Classification V4 01 2020. Collection method: clinical testing. Allele origin: germline. Inheritance: Autosomal dominant inheritance. Affected: yes. Observed: 1 variant allele.
Comment: ACMG Criteria: PM2_SUP,PP3,PP4